The following is an entry in ClinVar:

ClinVar aggregate classification (germline): Uncertain significance (1 of 4 stars; one submission).

Submission:

GeneDx
Classification: Uncertain significance. Last evaluated: 2026-03-31. Review status: criteria provided, single submitter. Criteria: GeneDx Variant Classification Process June 2021. Collection method: clinical testing. Allele origin: germline.
Comment: Not observed at significant frequency in large population cohorts (gnomAD); In silico analysis supports that this missense variant has a deleterious effect on protein structure/function; Has not been previously published as pathogenic or benign to our knowledge

NM_001347721.2(DYRK1A):c.893A>C (p.Asp298Ala)

Gene: DYRK1A (dual specificity tyrosine phosphorylation regulated kinase 1A; plus strand). Cytogenetic location: 21q22.13.
Variant type: single nucleotide variant.
Coding change: c.893A>C on transcript NM_001347721.2 (MANE Select); coding-DNA position 893, A replaced by C.
Protein change: p.Asp298Ala; replaces aspartic acid 298 with alanine.
Molecular consequence: missense variant.
Genome position (GRCh38, 1-based): chr21:37,490,430, A>C. VCF-style: chr21-37490430-A-C. GRCh37 (hg19) VCF-style: chr21-38862732-A-C.
Other names: c.893A>C, p.Asp298Ala (NM_001347722.2, NM_130436.2); c.806A>C, p.Asp269Ala (NM_001347723.2); c.920A>C, p.Asp307Ala (NM_001396.5, NM_101395.2, NM_130438.2); short protein forms D269A, D298A, D307A.
Identifiers: ClinVar variation 5018066 (VCV005018066.1).